The following is an entry in ClinVar:

ClinVar aggregate classification (germline): Uncertain significance. Review status: criteria provided, multiple submitters, no conflicts (2 of 4 stars). 2 submissions from 2 submitters: Uncertain significance (2). Last evaluated 2025-04-11.

Conditions:
Hereditary cancer-predisposing syndrome. Also called: Hereditary Cancer Syndrome; Neoplastic Syndromes, Hereditary; Hereditary neoplastic syndrome; Tumor predisposition. Identifiers: Orphanet 140162, MedGen C0027672, MeSH D009386, MONDO:0015356.

Allele frequency attached by ClinVar (database versions not stated): gnomAD exomes below 0.00001 and 0.00001; TOPMed 0.00002; gnomAD 0.00003 and 0.00004.
gnomAD v4.1: 11 of 1,606,520 alleles (0.00068%); highest among the groups gnomAD compares: African/African-American, 0.008%; no homozygotes.

Submissions (2):

Ambry Genetics
Classification: Uncertain significance for Hereditary cancer-predisposing syndrome. Last evaluated: 2025-04-11. Review status: criteria provided, single submitter. Criteria: Ambry Variant Classification Scheme 2023. Collection method: clinical testing. Allele origin: germline.
Comment: The p.I611T variant (also known as c.1832T>C), located in coding exon 12 of the RAD50 gene, results from a T to C substitution at nucleotide position 1832. The isoleucine at codon 611 is replaced by threonine, an amino acid with similar properties. This amino acid position is not well conserved in available vertebrate species. In addition, this alteration is predicted to be tolerated by in silico analysis. Since supporting evidence is limited at this time, the clinical significance of this alteration remains unclear.

Labcorp Genetics (formerly Invitae), Labcorp
Classification: Uncertain significance for Hereditary cancer-predisposing syndrome. Last evaluated: 2023-10-08. Review status: criteria provided, single submitter. Criteria: Invitae Variant Classification Sherloc (09022015). Collection method: clinical testing. Allele origin: germline.
Comment: This sequence change replaces isoleucine, which is neutral and non-polar, with threonine, which is neutral and polar, at codon 611 of the RAD50 protein (p.Ile611Thr). This variant is present in population databases (rs587782890, gnomAD 0.008%). This variant has not been reported in the literature in individuals affected with RAD50-related conditions. ClinVar contains an entry for this variant (Variation ID: 143009). Advanced modeling of protein sequence and biophysical properties (such as structural, functional, and spatial information, amino acid conservation, physicochemical variation, residue mobility, and thermodynamic stability) performed at Invitae indicates that this missense variant is not expected to disrupt RAD50 protein function. In summary, the available evidence is currently insufficient to determine the role of this variant in disease. Therefore, it has been classified as a Variant of Uncertain Significance.

NM_005732.4(RAD50):c.1832T>C (p.Ile611Thr)

Gene: RAD50 (RAD50 double strand break repair protein; plus strand). Cytogenetic location: 5q31.1.
Variant type: single nucleotide variant.
Coding change: c.1832T>C on transcript NM_005732.4 (MANE Select); coding-DNA position 1832, T replaced by C.
Protein change: p.Ile611Thr; replaces isoleucine 611 with threonine.
Molecular consequence: missense variant.
Genome position (GRCh38, 1-based): chr5:132,594,907, T>C. VCF-style: chr5-132594907-T-C. GRCh37 (hg19) VCF-style: chr5-131930599-T-C.
Other names: short protein forms I611T.
Identifiers: ClinVar variation 143009 (VCV000143009.15), dbSNP rs587782890, ClinGen allele CA170013.